The following is an entry in ClinVar:

NM_016284.5(CNOT1):c.6467G>A (p.Ser2156Asn)

Gene: CNOT1 (CCR4-NOT transcription complex subunit 1; minus strand). Cytogenetic location: 16q21.
Variant type: single nucleotide variant.
Coding change: c.6467G>A on transcript NM_016284.5 (MANE Select); coding-DNA position 6467, G replaced by A.
Protein change: p.Ser2156Asn; replaces serine 2156 with asparagine.
Molecular consequence: missense variant. On other transcripts: non-coding transcript variant (1).
Genome position (GRCh38, 1-based): chr16:58,526,125, C>T on the plus strand (G>A on the coding strand, the complement: CNOT1 is on the minus strand). VCF-style: chr16-58526125-C-T. GRCh37 (hg19) VCF-style: chr16-58560029-C-T.
Other names: c.6452G>A, p.Ser2151Asn (NM_001265612.2); short protein forms S2151N, S2156N.
Identifiers: ClinVar variation 1998064 (VCV001998064.4), dbSNP rs2543815197, ClinGen allele CA396161492.
Genomic context (GRCh38, chr16:58,526,125, plus strand): 5'-AACTGAGGTGGCATTACTCCAGTGAAATTGGTGAGAATCCGGGGAGCAATGTTAATTTCA[C>T]TCAACATGTCCACCTGCCACAGATAAAATGCAAGAATCACAAGCAGAATCATTTTTATTA-3'
Protein context (NP_057368.3, residues 2146-2166): FTPNLKVDML[Ser2156Asn]EINIAPRILT

ClinVar aggregate classification (germline): Uncertain significance (1 of 4 stars; one submission).

Submission:

Labcorp Genetics (formerly Invitae), Labcorp
Classification: Uncertain significance. Last evaluated: 2022-05-22. Review status: criteria provided, single submitter. Criteria: Invitae Variant Classification Sherloc (09022015). Collection method: clinical testing. Allele origin: germline.
Comment: This variant has not been reported in the literature in individuals affected with CNOT1-related conditions. Algorithms developed to predict the effect of missense changes on protein structure and function (SIFT, PolyPhen-2, Align-GVGD) all suggest that this variant is likely to be tolerated. In summary, the available evidence is currently insufficient to determine the role of this variant in disease. Therefore, it has been classified as a Variant of Uncertain Significance. This variant is not present in population databases (gnomAD no frequency). This sequence change replaces serine, which is neutral and polar, with asparagine, which is neutral and polar, at codon 2151 of the CNOT1 protein (p.Ser2151Asn).